The following is an entry in ClinVar:

NM_001082486.2(ACD):c.555C>G (p.Leu185=)

Gene: ACD (ACD shelterin complex subunit and telomerase recruitment factor; minus strand). Cytogenetic location: 16q22.1.
Variant type: single nucleotide variant.
Coding change: c.555C>G on transcript NM_001082486.2 (MANE Select); coding-DNA position 555, C replaced by G.
Protein change: p.Leu185=; no amino-acid change (leucine 185 retained).
Molecular consequence: synonymous variant.
Genome position (GRCh38, 1-based): chr16:67,659,018, G>C on the plus strand (C>G on the coding strand, the complement: ACD is on the minus strand). VCF-style: chr16-67659018-G-C. GRCh37 (hg19) VCF-style: chr16-67692921-G-C.
Other names: c.555C>G, p.Leu185= (NM_001410884.1); c.546C>G, p.Leu182= (NM_022914.3).
Identifiers: ClinVar variation 1762151 (VCV001762151.7), dbSNP rs745443998, ClinGen allele CA8114624.
Genomic context (GRCh38, chr16:67,659,018, plus strand): 5'-GGTGACAGGGGGTGCTGTGCAAGGGCCCTCCAGTGTCAGGCAGCTTTCAGCCAGGCACAC[G>C]AGTGCCCCCTGATGCTCCTGGTCCTCCCGCATTTCATCCAGAAGCTGGGACAGTGATAGG-3'
Protein context (NP_001075955.2, residues 175-195): MREDQEHQGA[Leu185=]VCLAESCLTL

ClinVar aggregate classification (germline): Likely benign. Review status: criteria provided, multiple submitters, no conflicts (2 of 4 stars). 3 submissions from 3 submitters: Likely benign (2). 1 of the submissions does not count toward it. Last evaluated 2025-09-25.

Conditions:
ACD-related disorder. Also called: ACD-related condition.
Inborn genetic diseases. Identifiers: MedGen C0950123, MeSH D030342.
Dyskeratosis congenita, autosomal dominant 6 (DKCA6). Identifiers: Orphanet 3322, MedGen C4225284, MONDO:0014690, OMIM 616553.

Allele frequency attached by ClinVar (database versions not stated): gnomAD 0.00001; ExAC 0.00002; TOPMed 0.00001.

Submissions (3):

Labcorp Genetics (formerly Invitae), Labcorp
Classification: Likely benign for Dyskeratosis congenita, autosomal dominant 6. Last evaluated: 2025-09-25. Review status: criteria provided, single submitter. Criteria: Invitae Variant Classification Sherloc (09022015). Collection method: clinical testing. Allele origin: germline.

Ambry Genetics
Classification: Likely benign for Inborn genetic diseases. Last evaluated: 2022-03-18. Review status: criteria provided, single submitter. Criteria: Ambry Variant Classification Scheme 2023. Collection method: clinical testing. Allele origin: germline.

PreventionGenetics, part of Exact Sciences
Classification: Likely benign for ACD-related condition. Last evaluated: 2019-08-14. Review status: no assertion criteria provided. Collection method: clinical testing. Allele origin: germline. Not counted in ClinVar's aggregate classification.
Comment: This variant is classified as likely benign based on ACMG/AMP sequence variant interpretation guidelines (Richards et al. 2015 PMID: 25741868, with internal and published modifications).